The following is an entry in ClinVar:

ClinVar aggregate classification (germline): Uncertain significance (1 of 4 stars; one submission).

Conditions:
Developmental and epileptic encephalopathy, 34 (DEE34). Also called: SLC12A5-Related Epilepsy of Infancy with Migrating Focal Seizures; Early infantile epileptic encephalopathy 34. Identifiers: Orphanet 293181, MedGen C4225257, MONDO:0014718, OMIM 616645.

Allele frequency attached by ClinVar (database versions not stated): gnomAD exomes below 0.00001.
gnomAD v4.1: 3 of 1,613,420 alleles (0.00019%); highest among the groups gnomAD compares: South Asian, 0.0011%; no homozygotes.

Submission:

Labcorp Genetics (formerly Invitae), Labcorp
Classification: Uncertain significance for Developmental and epileptic encephalopathy, 34. Last evaluated: 2024-03-16. Review status: criteria provided, single submitter. Criteria: Invitae Variant Classification Sherloc (09022015). Collection method: clinical testing. Allele origin: germline.
Comment: This sequence change replaces proline, which is neutral and non-polar, with leucine, which is neutral and non-polar, at codon 1037 of the SLC12A5 protein (p.Pro1037Leu). This variant is present in population databases (no rsID available, gnomAD 0.003%). This variant has not been reported in the literature in individuals affected with SLC12A5-related conditions. ClinVar contains an entry for this variant (Variation ID: 1058068). An algorithm developed to predict the effect of missense changes on protein structure and function (PolyPhen-2) suggests that this variant is likely to be disruptive. In summary, the available evidence is currently insufficient to determine the role of this variant in disease. Therefore, it has been classified as a Variant of Uncertain Significance.

NM_020708.5(SLC12A5):c.3110C>T (p.Pro1037Leu)

Gene: SLC12A5 (solute carrier family 12 member 5; plus strand). Cytogenetic location: 20q13.12.
Variant type: single nucleotide variant.
Coding change: c.3110C>T on transcript NM_020708.5 (MANE Select); coding-DNA position 3110, C replaced by T.
Protein change: p.Pro1037Leu; replaces proline 1037 with leucine.
Molecular consequence: missense variant.
Genome position (GRCh38, 1-based): chr20:46,056,564, C>T. VCF-style: chr20-46056564-C-T. GRCh37 (hg19) VCF-style: chr20-44685203-C-T.
Other names: c.3179C>T, p.Pro1060Leu (NM_001134771.2); short protein forms P1037L, P1060L.
Identifiers: ClinVar variation 1058068 (VCV001058068.8), dbSNP rs1304640833, ClinGen allele CA409208356.